The following is an entry in ClinVar:

NM_003285.3(TNR):c.356A>G (p.Asn119Ser)

Gene: TNR (tenascin R; minus strand). Cytogenetic location: 1q25.1.
Variant type: single nucleotide variant.
Coding change: c.356A>G on transcript NM_003285.3 (MANE Select); coding-DNA position 356, A replaced by G.
Protein change: p.Asn119Ser; replaces asparagine 119 with serine.
Molecular consequence: missense variant. On other transcripts: 5 prime UTR variant (1).
Genome position (GRCh38, 1-based): chr1:175,406,359, T>C on the plus strand (A>G on the coding strand, the complement: TNR is on the minus strand). VCF-style: chr1-175406359-T-C. GRCh37 (hg19) VCF-style: chr1-175375495-T-C.
Other names: c.-540A>G (NM_001328635.2); short protein forms N119S.
Identifiers: ClinVar variation 2639576 (VCV002639576.24), dbSNP rs2526431627, ClinGen allele CA343792650.

ClinVar aggregate classification (germline): Uncertain significance (1 of 4 stars; one submission).

Allele frequency attached by ClinVar (database versions not stated): gnomAD exomes below 0.00001.
gnomAD v4.1: 3 of 1,614,060 alleles (0.00019%); highest among the groups gnomAD compares: Non-Finnish European, 0.00017%; no homozygotes.

Submission:

CeGaT Center for Human Genetics Tuebingen
Classification: Uncertain significance. Last evaluated: 2022-10-01. Review status: criteria provided, single submitter. Criteria: CeGaT Center For Human Genetics Tuebingen Variant Classification Criteria Version 2. Collection method: clinical testing. Allele origin: germline. Affected: yes. Observed: 1 variant allele.
Comment: TNR: PM2, BP4